The following is an entry in ClinVar:

NM_014634.4(PPM1F):c.685G>A (p.Gly229Arg)

Gene: PPM1F (protein phosphatase, Mg2+/Mn2+ dependent 1F; minus strand). Cytogenetic location: 22q11.22.
Variant type: single nucleotide variant.
Coding change: c.685G>A on transcript NM_014634.4 (MANE Select); coding-DNA position 685, G replaced by A.
Protein change: p.Gly229Arg; replaces glycine 229 with arginine.
Molecular consequence: missense variant.
Genome position (GRCh38, 1-based): chr22:21,933,453, C>T on the plus strand (G>A on the coding strand, the complement: PPM1F is on the minus strand). VCF-style: chr22-21933453-C-T. GRCh37 (hg19) VCF-style: chr22-22287825-C-T.
Other names: c.181G>A, p.Gly61Arg (NM_001410836.1); short protein forms G229R, G61R.
Identifiers: ClinVar variation 2125093 (VCV002125093.4), dbSNP rs765253739, ClinGen allele CA10125060.

ClinVar aggregate classification (germline): Uncertain significance (1 of 4 stars; one submission).

Allele frequency attached by ClinVar (database versions not stated): gnomAD 0.00001; ExAC 0.00002.

Submission:

Labcorp Genetics (formerly Invitae), Labcorp
Classification: Uncertain significance. Last evaluated: 2022-06-10. Review status: criteria provided, single submitter. Criteria: Invitae Variant Classification Sherloc (09022015). Collection method: clinical testing. Allele origin: germline.
Comment: In summary, the available evidence is currently insufficient to determine the role of this variant in disease. Therefore, it has been classified as a Variant of Uncertain Significance. Algorithms developed to predict the effect of missense changes on protein structure and function output the following: SIFT: "Tolerated"; PolyPhen-2: "Benign"; Align-GVGD: "Class C0". The arginine amino acid residue is found in multiple mammalian species, which suggests that this missense change does not adversely affect protein function. This variant has not been reported in the literature in individuals affected with PPM1F-related conditions. This variant is present in population databases (rs765253739, gnomAD 0.01%). This sequence change replaces glycine, which is neutral and non-polar, with arginine, which is basic and polar, at codon 229 of the PPM1F protein (p.Gly229Arg).